The following is an entry in ClinVar:

ClinVar aggregate classification (germline): Uncertain significance (1 of 4 stars; one submission).

Submission:

GeneDx
Classification: Uncertain significance. Last evaluated: 2019-07-20. Review status: criteria provided, single submitter. Criteria: GeneDx Variant Classification Process June 2021. Collection method: clinical testing. Allele origin: germline. Affected: yes.
Comment: Not observed in large population cohorts (Lek et al., 2016); In silico analysis, which includes protein predictors and evolutionary conservation, supports a deleterious effect; Has not been previously published as pathogenic or benign to our knowledge; De novo variant with confirmed parentage

NM_002143.3(HPCA):c.502G>C (p.Glu168Gln)

Gene: HPCA (hippocalcin; plus strand). Cytogenetic location: 1p35.1.
Variant type: single nucleotide variant.
Coding change: c.502G>C on transcript NM_002143.3 (MANE Select); coding-DNA position 502, G replaced by C.
Protein change: p.Glu168Gln; replaces glutamic acid 168 with glutamine.
Molecular consequence: missense variant.
Genome position (GRCh38, 1-based): chr1:32,893,782, G>C. VCF-style: chr1-32893782-G-C. GRCh37 (hg19) VCF-style: chr1-33359383-G-C.
Other names: short protein forms E168Q.
Identifiers: ClinVar variation 1307001 (VCV001307001.2), dbSNP rs2124031478, ClinGen allele CA339682422.
Genomic context (GRCh38, chr1:32,893,782, plus strand): 5'-GGCTGCCGCCTCCTCCCCCATCACCGCTCCCCTCGCCCTGCAGGCAAGCTGTCCTTGGAG[G>C]AGTTCATCCGCGGGGCCAAAAGCGACCCGTCCATCGTGCGTCTGCTGCAGTGCGACCCCA-3'
Protein context (NP_002134.2, residues 158-178): TNNDGKLSLE[Glu168Gln]FIRGAKSDPS